The following is an entry in ClinVar:

ClinVar aggregate classification (germline): Likely benign. Review status: criteria provided, multiple submitters, no conflicts (2 of 4 stars). 2 submissions from 2 submitters: Likely benign (2). Last evaluated 2026-08-01.

Allele frequency attached by ClinVar (database versions not stated): gnomAD 0.00003 and 0.00004; gnomAD exomes 0.00008 and 0.00018; TOPMed 0.00009; ExAC 0.00018.
gnomAD v4.1: 51 of 1,614,082 alleles (0.0032%); highest among the groups gnomAD compares: Admixed American, 0.083%; no homozygotes.

Submissions (2):

CeGaT Center for Human Genetics Tuebingen
Classification: Likely benign. Last evaluated: 2026-08-01. Review status: criteria provided, single submitter. Criteria: CeGaT Center For Human Genetics Tuebingen Variant Classification Criteria Version 2. Collection method: clinical testing. Allele origin: germline. Affected: yes. Observed: 1 variant allele.
Comment: ERCC6: BP4, BP7

Labcorp Genetics (formerly Invitae), Labcorp
Classification: Likely benign. Last evaluated: 2026-01-19. Review status: criteria provided, single submitter. Criteria: Invitae Variant Classification Sherloc (09022015). Collection method: clinical testing. Allele origin: germline.

NM_000124.4(ERCC6):c.3189A>G (p.Val1063=)

Gene: ERCC6 (ERCC excision repair 6, chromatin remodeling factor; minus strand). Cytogenetic location: 10q11.23.
Variant type: single nucleotide variant.
Coding change: c.3189A>G on transcript NM_000124.4 (MANE Select); coding-DNA position 3189, A replaced by G.
Protein change: p.Val1063=; no amino-acid change (valine 1063 retained).
Molecular consequence: synonymous variant.
Genome position (GRCh38, 1-based): chr10:49,470,771, T>C on the plus strand (A>G on the coding strand, the complement: ERCC6 is on the minus strand). VCF-style: chr10-49470771-T-C. GRCh37 (hg19) VCF-style: chr10-50678817-T-C.
Other names: c.3189A>G, p.Val1063= (NM_001346440.2).
Identifiers: ClinVar variation 705620 (VCV000705620.11), dbSNP rs201871784, ClinGen allele CA5495392.
Genomic context (GRCh38, chr10:49,470,771, plus strand): 5'-TACTGCATTTACTTCAGCTCCTTTAGCCTCAGATTTCTCTTCAGATGATGTGGCATCATT[T>C]ACAGATATGTTAGAAGCAGGGAACTTCTTGCGTTTTGGAACATCATGGTCTGCTCCAAAG-3'
Protein context (NP_000115.1, residues 1053-1073): RKKFPASNIS[Val1063=]NDATSSEEKS